The following is an entry in ClinVar:

ClinVar aggregate classification (germline): Uncertain significance (1 of 4 stars; one submission).

Conditions:
Ehlers-Danlos syndrome, type 4 (EDSVASC). Also called: Ehlers-Danlos syndrome vascular type; Ehlers Danlos syndrome, ecchymotic type; Ehlers Danlos syndrome, arterial type; Ehlers Danlos syndrome, Sack-Barabas type; Ehlers-Danlos Syndrome Type IV. Identifiers: Orphanet 286, MedGen C0268338, MONDO:0017314, OMIM 130050.

Allele frequency attached by ClinVar (database versions not stated): gnomAD exomes below 0.00001; TOPMed below 0.00001; gnomAD 0.00001.
gnomAD v4.1: 3 of 1,613,858 alleles (0.00019%); highest among the groups gnomAD compares: African/African-American, 0.004%; no homozygotes.

Submission:

Labcorp Genetics (formerly Invitae), Labcorp
Classification: Uncertain significance for Ehlers-Danlos syndrome, type 4. Last evaluated: 2020-06-21. Review status: criteria provided, single submitter. Criteria: Invitae Variant Classification Sherloc (09022015). Collection method: clinical testing. Allele origin: germline.
Comment: In summary, the available evidence is currently insufficient to determine the role of this variant in disease. Therefore, it has been classified as a Variant of Uncertain Significance. Algorithms developed to predict the effect of missense changes on protein structure and function are either unavailable or do not agree on the potential impact of this missense change (SIFT: "Deleterious"; PolyPhen-2: "Not Available"; Align-GVGD: "Class C65"). This variant has not been reported in the literature in individuals with COL3A1-related conditions. This variant is not present in population databases (ExAC no frequency). This sequence change replaces alanine with serine at codon 773 of the COL3A1 protein (p.Ala773Ser). The alanine residue is highly conserved and there is a moderate physicochemical difference between alanine and serine.

NM_000090.4(COL3A1):c.2317G>T (p.Ala773Ser)

Gene: COL3A1 (collagen type III alpha 1 chain; plus strand). Cytogenetic location: 2q32.2.
Variant type: single nucleotide variant.
Coding change: c.2317G>T on transcript NM_000090.4 (MANE Select); coding-DNA position 2317, G replaced by T.
Protein change: p.Ala773Ser; replaces alanine 773 with serine.
Molecular consequence: missense variant.
Genome position (GRCh38, 1-based): chr2:189,001,430, G>T. VCF-style: chr2-189001430-G-T. GRCh37 (hg19) VCF-style: chr2-189866156-G-T.
Other names: short protein forms A773S.
Identifiers: ClinVar variation 1046484 (VCV001046484.11), dbSNP rs1170068141, ClinGen allele CA349842402.
Genomic context (GRCh38, chr2:189,001,430, plus strand): 5'-ATTAAAAAATATTTTTATTTCCTCTAGGGTCCTACTGGTCCTATTGGTCCTCCTGGCCCA[G>T]CTGGCCAGCCTGGAGATAAGGTAACCCTTAATACTACCTGGATATAAAAAGAAAATGTCT-3'
Protein context (NP_000081.2, residues 763-783): PTGPIGPPGP[Ala773Ser]GQPGDKGEGG